The following is an entry in ClinVar:

NM_005751.5(AKAP9):c.11045A>T (p.Asn3682Ile)

Gene: AKAP9 (A-kinase anchoring protein 9; plus strand). Cytogenetic location: 7q21.2.
Variant type: single nucleotide variant.
Coding change: c.11045A>T on transcript NM_005751.5 (MANE Select); coding-DNA position 11045, A replaced by T.
Protein change: p.Asn3682Ile; replaces asparagine 3682 with isoleucine.
Molecular consequence: missense variant.
Genome position (GRCh38, 1-based): chr7:92,101,004, A>T. VCF-style: chr7-92101004-A-T. GRCh37 (hg19) VCF-style: chr7-91730318-A-T.
Other names: c.5690A>T, p.Asn1897Ile (NM_001379277.1); c.11021A>T, p.Asn3674Ile (NM_147185.3); short protein forms N1897I, N3674I, N3682I.
Identifiers: ClinVar variation 4868879 (VCV004868879.1).

ClinVar aggregate classification (germline): Uncertain significance (1 of 4 stars; one submission).

Conditions:
Cardiovascular phenotype. Identifiers: MedGen CN230736.

Submission:

Ambry Genetics
Classification: Uncertain significance for Cardiovascular phenotype. Last evaluated: 2026-03-15. Review status: criteria provided, single submitter. Criteria: Ambry Variant Classification Scheme 2023. Collection method: clinical testing. Allele origin: germline.
Comment: The p.N3682I variant (also known as c.11045A>T), located in coding exon 45 of the AKAP9 gene, results from an A to T substitution at nucleotide position 11045. The asparagine at codon 3682 is replaced by isoleucine, an amino acid with dissimilar properties. This amino acid position is conserved. In addition, this alteration is predicted to be tolerated by in silico analysis. Based on the available evidence, the clinical significance of this variant remains unclear.